The following is an entry in ClinVar:

NM_001303256.3(MORC2):c.1859dup (p.Val621fs)

Gene: MORC2 (MORC family CW-type zinc finger 2; minus strand). Cytogenetic location: 22q12.2.
Variant type: Duplication.
Coding change: c.1859dup on transcript NM_001303256.3 (MANE Select); coding-DNA position 1859, one base duplicated (C; older notation c.1859dupC).
Protein change: p.Val621fs; shifts the reading frame from valine 621.
Molecular consequence: frameshift variant.
Genome position (GRCh38, 1-based): chr22:30,935,115, G duplicated on the plus strand (C on the coding strand, the reverse complement: MORC2 is on the minus strand). VCF-style (leftmost placement, unchanged base first): chr22-30935114-A-AG. GRCh37 (hg19) VCF-style: chr22-31331101-A-AG.
Other names: c.1859dup, p.Val621fs (NM_001303257.2); c.1673dup, p.Val559fs (NM_014941.3); c.1859dup (NM_001303256.2); short protein forms V559fs, V621fs.
Identifiers: ClinVar variation 576663 (VCV000576663.8), dbSNP rs1569190645, ClinGen allele CA891843536.
Genomic context (GRCh38, chr22:30,935,114, plus strand): 5'-CTGGCTGGCTGGTCTAGGAGTTGGCAAAGAAGGGGGTCTGCTGGGGGCGTTCCTGATCAC[A>AG]GCAGGTAAAGGGGGCGACCGAGGACGCTGAGGTCTACGCACAGGTTCCTAAAAAAAGGCC-3'

ClinVar aggregate classification (germline): Uncertain significance. Review status: criteria provided, multiple submitters, no conflicts (2 of 4 stars). 2 submissions from 2 submitters: Uncertain significance (2). Last evaluated 2024-10-07.

Conditions:
Charcot-Marie-Tooth disease axonal type 2Z. Also called: CHARCOT-MARIE-TOOTH DISEASE, AXONAL, AUTOSOMAL DOMINANT, TYPE 2Z; CHARCOT-MARIE-TOOTH NEUROPATHY, TYPE 2Z. Identifiers: Orphanet 466768, MedGen C5569025, MONDO:0014736, OMIM 616688.

Submissions (2):

GeneDx
Classification: Uncertain significance. Last evaluated: 2024-10-07. Review status: criteria provided, single submitter. Criteria: GeneDx Variant Classification Process June 2021. Collection method: clinical testing. Allele origin: germline. Affected: yes.
Comment: Not observed at significant frequency in large population cohorts (gnomAD); Has not been previously published as pathogenic or benign to our knowledge; Frameshift variant predicted to result in protein truncation or nonsense mediated decay in a gene for which loss-of-function is not a known mechanism of disease

Labcorp Genetics (formerly Invitae), Labcorp
Classification: Uncertain significance for Charcot-Marie-Tooth disease axonal type 2Z. Last evaluated: 2018-03-06. Review status: criteria provided, single submitter. Criteria: Invitae Variant Classification Sherloc (09022015). Collection method: clinical testing. Allele origin: germline.
Comment: This sequence change creates a premature translational stop signal (p.Val559Cysfs*16) in the MORC2 gene. It is expected to result in an absent or disrupted protein product. This variant is not present in population databases (ExAC no frequency). This variant has not been reported in the literature in individuals with MORC2-related disease. The current clinical and genetic evidence is not sufficient to establish whether loss-of-function variants in MORC2 cause disease. In summary, the available evidence is currently insufficient to determine the role of this variant in disease. Therefore, it has been classified as a Variant of Uncertain Significance.